The following is an entry in ClinVar:

NM_006662.3(SRCAP):c.1907A>G (p.Lys636Arg)

Gene: SRCAP (Snf2 related CREBBP activator protein; plus strand). Cytogenetic location: 16p11.2.
Variant type: single nucleotide variant.
Coding change: c.1907A>G on transcript NM_006662.3 (MANE Select); coding-DNA position 1907, A replaced by G.
Protein change: p.Lys636Arg; replaces lysine 636 with arginine.
Molecular consequence: missense variant.
Genome position (GRCh38, 1-based): chr16:30,712,353, A>G. VCF-style: chr16-30712353-A-G. GRCh37 (hg19) VCF-style: chr16-30723674-A-G.
Other names: short protein forms K636R.
Identifiers: ClinVar variation 2996444 (VCV002996444.3), dbSNP rs371111870, ClinGen allele CA8011093.

ClinVar aggregate classification (germline): Uncertain significance (1 of 4 stars; one submission).

Allele frequency attached by ClinVar (database versions not stated): ExAC 0.00001; gnomAD 0.00001; TOPMed 0.00001; ESP Exome Variant Server 0.00008.
gnomAD v4.1: 2 of 1,613,456 alleles (0.00012%); highest among the groups gnomAD compares: African/African-American, 0.0027%; no homozygotes.

Submission:

Labcorp Genetics (formerly Invitae), Labcorp
Classification: Uncertain significance. Last evaluated: 2023-07-29. Review status: criteria provided, single submitter. Criteria: Invitae Variant Classification Sherloc (09022015). Collection method: clinical testing. Allele origin: germline.
Comment: This variant has not been reported in the literature in individuals affected with SRCAP-related conditions. In summary, the available evidence is currently insufficient to determine the role of this variant in disease. Therefore, it has been classified as a Variant of Uncertain Significance. Advanced modeling of protein sequence and biophysical properties (such as structural, functional, and spatial information, amino acid conservation, physicochemical variation, residue mobility, and thermodynamic stability) performed at Invitae indicates that this missense variant is not expected to disrupt SRCAP protein function. This variant is present in population databases (rs371111870, gnomAD 0.007%). This sequence change replaces lysine, which is basic and polar, with arginine, which is basic and polar, at codon 636 of the SRCAP protein (p.Lys636Arg).